The following is an entry in ClinVar:

ClinVar aggregate classification (germline): Pathogenic (1 of 4 stars; one submission).

Submission:

GeneDx
Classification: Pathogenic. Last evaluated: 2024-05-28. Review status: criteria provided, single submitter. Criteria: GeneDx Variant Classification Process June 2021. Collection method: clinical testing. Allele origin: germline. Affected: yes.
Comment: Frameshift variant predicted to result in protein truncation or nonsense mediated decay in a gene for which loss of function is a known mechanism of disease; Not observed at significant frequency in large population cohorts (gnomAD); Has not been previously published as pathogenic or benign to our knowledge

NM_001005273.3(CHD3):c.720del (p.Ala241fs)

Gene: CHD3 (chromodomain helicase DNA binding protein 3; plus strand). Cytogenetic location: 17p13.1.
Variant type: Deletion.
Coding change: c.720del on transcript NM_001005273.3 (MANE Select); coding-DNA position 720, one base deleted (C; older notation c.720delC).
Protein change: p.Ala241fs; shifts the reading frame from alanine 241.
Molecular consequence: frameshift variant.
Genome position (GRCh38, 1-based): chr17:7,893,496, C deleted; the last of 6 consecutive C bases (chr17:7,893,491-7,893,496); deleting any one gives the same sequence. VCF-style (leftmost placement, unchanged base first): chr17-7893490-AC-A. GRCh37 (hg19) VCF-style: chr17-7796808-AC-A.
Other names: c.897del, p.Ala300fs (NM_001005271.3); c.720del, p.Ala241fs (NM_005852.4); short protein forms A241fs, A300fs.
Identifiers: ClinVar variation 3383503 (VCV003383503.1).
Genomic context (GRCh38, chr17:7,893,490, plus strand): 5'-AGCTGTAGCTGAGCAGGTGTCAGCTGCTGTCTCGTCGGCCACCCCCATAGCACCCTCCGG[AC>A]CCCCCGCCCTTCCACCACCCCCTGCTGCTGATATCCAGCCCCCACCCATCCGAAGAGCCA-3'